The following is an entry in ClinVar:

NM_001273.5(CHD4):c.2975G>A (p.Arg992Gln)

Gene: CHD4 (chromodomain helicase DNA binding protein 4; minus strand). Cytogenetic location: 12p13.31.
Variant type: single nucleotide variant.
Coding change: c.2975G>A on transcript NM_001273.5 (MANE Select); coding-DNA position 2975, G replaced by A.
Protein change: p.Arg992Gln; replaces arginine 992 with glutamine.
Molecular consequence: missense variant.
Genome position (GRCh38, 1-based): chr12:6,592,031, C>T on the plus strand (G>A on the coding strand, the complement: CHD4 is on the minus strand). VCF-style: chr12-6592031-C-T. GRCh37 (hg19) VCF-style: chr12-6701197-C-T.
Other names: c.2954G>A, p.Arg985Gln (NM_001297553.2); c.2936G>A, p.Arg979Gln (NM_001363606.2); c.2975G>A (NM_001273.2); short protein forms R979Q, R985Q, R992Q.
Identifiers: ClinVar variation 3377200 (VCV003377200.4).

ClinVar aggregate classification (germline): Conflicting classifications of pathogenicity. Review status: criteria provided, conflicting classifications (1 of 4 stars). 4 submissions from 4 submitters: Pathogenic (1); Likely pathogenic (2); Uncertain significance (1). Last evaluated 2025-11-25.

Conditions:
Sifrim-Hitz-Weiss syndrome (SIHIWES). Also called: CHD4 Neurodevelopmental Disorder; SIFRIM-HITZ-WEISS MULTIPLE CONGENITAL ANOMALIES-MENTAL RETARDATION SYNDROME. Identifiers: Orphanet 653712, MedGen C4310688, MONDO:0014946, OMIM 617159.

Submissions (4):

Variantyx, Inc.
Classification: Likely pathogenic for Sifrim-Hitz-Weiss syndrome. Last evaluated: 2025-11-25. Review status: criteria provided, single submitter. Criteria: Variantyx Assertion Criteria 2022. Collection method: clinical testing. Allele origin: germline. Inheritance: Autosomal dominant inheritance. Affected: yes.
Comment: This is a nonsynonymous variant in the CHD4 gene (OMIM: 603277). Pathogenic variants in this gene have been associated with autosomal dominant Sifrim-Hitz-Weiss syndrome. This variant has been reported in several unrelated affected individuals (PMID: 31388190, 39824190) (PS4)., while it is absent from control populations (PM2). Multiple computational algorithms predict a deleterious effect for this variant (REVEL score: 0.685) (PP3). Based on the current evidence, this variant is classified as likely pathogenic for autosomal dominant Sifrim-Hitz-Weiss syndrome.

GeneDx
Classification: Pathogenic. Last evaluated: 2025-01-30. Review status: criteria provided, single submitter. Criteria: GeneDx Variant Classification Process June 2021. Collection method: clinical testing. Allele origin: germline. Affected: yes.
Comment: Not observed at significant frequency in large population cohorts (gnomAD); In silico analysis supports that this missense variant has a deleterious effect on protein structure/function; This variant is associated with the following publications: (PMID: 31388190, 39824190)

Victorian Clinical Genetics Services, Murdoch Childrens Research Institute
Classification: Uncertain significance for Sifrim-Hitz-Weiss syndrome. Last evaluated: 2024-10-08. Review status: criteria provided, single submitter. Criteria: ACMG Guidelines, 2015. Collection method: clinical testing. Allele origin: germline. Inheritance: Autosomal dominant inheritance. Affected: yes.
Comment: Based on the classification scheme VCGS_Germline_v1.3.4, this variant is classified as VUS-3B. Following criteria are met: 0102 - Loss of function is a known mechanism of disease in this gene and is associated with Sifrim-Hitz-Weiss syndrome (MIM#617159). Loss of function is a mechanism associated with missense variants and a likely mechanism associated with protein truncating variants (PMID: 31388190). (I) 0107 - This gene is associated with autosomal dominant disease. (I) 0115 - Variants in this gene are known to have variable expressivity (OMIM; PMID: 31388190). (I) 0200 - Variant is predicted to result in a missense amino acid change from arginine to glutamine. (I) 0251 - This variant is heterozygous. (I) 0301 - Variant is absent from gnomAD (both v2 and v3). (SP) 0502 - Missense variant with conflicting in silico predictions and uninformative conservation. (I) 0603 - Missense variant in a region that is highly intolerant to missense variation (high constraint region in DECIPHER). (SP) 0705 - No comparable missense variants have previous evidence for pathogenicity. (I) 0803 - This variant has limited previous evidence of pathogenicity in an unrelated individual. This variant has been reported in an individual with CHD4-related features (PMID: 31388190). (SP) 0905 - No published segregation evidence has been identified for this variant. (I) 1007 - No published functional evidence has been identified for this variant. (I) Legend: (SP) - Supporting pathogenic, (I) - Information, (SB) - Supporting benign

Laboratoire de Génétique Moléculaire, CHU Bordeaux
Classification: Likely pathogenic for Sifrim-Hitz-Weiss syndrome. Last evaluated: 2023-02-16. Review status: criteria provided, single submitter. Criteria: ACMG Guidelines, 2015. Collection method: clinical testing. Allele origin: germline. Affected: yes.

Literature cited by the submitters: PubMed 31388190 (cited by Variantyx, Inc. and Victorian Clinical Genetics Services, Murdoch Childrens Research Institute); PubMed 39824190 (cited by Variantyx, Inc.).